The following is an entry in ClinVar:

NM_000059.4(BRCA2):c.9257-235G>A

Gene: BRCA2 (BRCA2 DNA repair associated; plus strand). Cytogenetic location: 13q13.1.
Variant type: single nucleotide variant.
Coding change: c.9257-235G>A on transcript NM_000059.4 (MANE Select); 235 bases into the intron before coding-DNA position 9257, G replaced by A.
Molecular consequence: intron variant.
Genome position (GRCh38, 1-based): chr13:32,394,454, G>A. VCF-style: chr13-32394454-G-A. GRCh37 (hg19) VCF-style: chr13-32968591-G-A.
Other names: IVS 24-235G>A.
Identifiers: ClinVar variation 209961 (VCV000209961.3), dbSNP rs7327867, ClinGen allele CA276928.
Genomic context (GRCh38, chr13:32,394,454, plus strand): 5'-ATTTATCTCCAGAAATCTTGCACAAATCTGTACTCCTGTTAGCAATGTGTGCGTATACCT[G>A]CTTCCACATGACCTCAGTAAAAGAATGTGTTGTCATATTGGTATTGAAATTTTAGCACTG-3'

ClinVar aggregate classification (germline): Benign. Review status: reviewed by expert panel (3 of 4 stars). 2 submissions from 2 submitters: Benign (1). 1 of the submissions does not count toward it. Last evaluated 2015-01-12.

Conditions:
Breast-ovarian cancer, familial, susceptibility to, 2 (BROVCA2). Also called: BRCA2 Hereditary Breast and Ovarian Cancer. Identifiers: Orphanet 145, MedGen C2675520, MONDO:0012933, OMIM 612555. Disease mechanism: loss of function.

Allele frequency attached by ClinVar (database versions not stated): 1000 Genomes Project 30x 0.52498; 1000 Genomes Project 0.52776; TOPMed 0.52819; gnomAD 0.53374 and 0.53512.
gnomAD v4.1: 80,952 of 151,942 alleles (53%); highest among the groups gnomAD compares: East Asian, 57%; 21,657 homozygotes.

Submissions (2):

Evidence-based Network for the Interpretation of Germline Mutant Alleles (ENIGMA)
Classification: Benign for Breast-ovarian cancer, familial 2. Last evaluated: 2015-01-12. Review status: reviewed by expert panel. Criteria: ENIGMA BRCA1/2 Classification Criteria (2015). Collection method: curation. Allele origin: germline.
Comment: Class 1 not pathogenic based on frequency >1% in an outbred sampleset. Frequency 0.549 (Asian), 0.5427 (African), 0.5383 (European), derived from 1000 genomes (2012-04-30).

GeneDx
Classification: Benign. Last evaluated: 2018-06-22. Review status: criteria provided, single submitter. Criteria: GeneDx Variant Classification Process June 2021. Collection method: clinical testing. Allele origin: germline. Affected: yes. Not counted in ClinVar's aggregate classification.